The following is an entry in ClinVar:

ClinVar aggregate classification (germline): Pathogenic (1 of 4 stars; one submission).

Conditions:
Developmental delay with variable intellectual impairment and behavioral abnormalities. Identifiers: MedGen C5193092, MONDO:0032745, OMIM 618430.

Submission:

Victorian Clinical Genetics Services, Murdoch Childrens Research Institute
Classification: Pathogenic for Developmental delay with variable intellectual impairment and behavioral abnormalities. Last evaluated: 2022-06-24. Review status: criteria provided, single submitter. Criteria: ACMG Guidelines, 2015. Collection method: clinical testing. Allele origin: germline. Inheritance: Autosomal dominant inheritance. Affected: yes.
Comment: Based on the classification scheme VCGS_Germline_v1.3.4, this variant is classified as Pathogenic. Following criteria are met: 0102 - Loss of function is a known mechanism of disease in this gene and is associated with developmental delay with variable intellectual impairment and behavioural abnormalities (MIM#618430). (I) 0107 - This gene is associated with autosomal dominant disease. (I) 0201 - Variant is predicted to cause nonsense-mediated decay (NMD) and loss of protein (premature termination codon is located at least 54 nucleotides upstream of the final exon-exon junction). (SP) 0251 - This variant is heterozygous. (I) 0301 - Variant is absent from gnomAD (both v2 and v3). (SP) 0701 - Other NMD-predicted variants comparable to the one identified in this case have very strong previous evidence for pathogenicity. These variants have been reported many times as pathogenic and observed in individuals with a neurodevelopmental disorder (DECIPHER, PMID: 30819258). (SP) 0807 - This variant has no previous evidence of pathogenicity. (I) 0905 - No published segregation evidence has been identified for this variant. (I) 1007 - No published functional evidence has been identified for this variant. (SP) Legend: (SP) - Supporting pathogenic, (I) - Information, (SB) - Supporting benign

Literature cited by the submitters: PubMed 30819258.

NM_001378418.1(TCF20):c.2318_2319del (p.Gln773fs)

Gene: TCF20 (transcription factor 20; minus strand). Cytogenetic location: 22q13.2.
Variant type: Deletion.
Coding change: c.2318_2319del on transcript NM_001378418.1 (MANE Select); coding-DNA positions 2318 to 2319, 2 bases deleted (AA; older notation c.2318_2319delAA).
Protein change: p.Gln773fs; shifts the reading frame from glutamine 773.
Molecular consequence: frameshift variant.
Genome position (GRCh38, 1-based): chr22:42,212,987-42,212,988, TT deleted on the plus strand (AA on the coding strand, the reverse complement: TCF20 is on the minus strand). VCF-style (leftmost placement, unchanged base first): chr22-42212986-CTT-C. GRCh37 (hg19) VCF-style: chr22-42608992-CTT-C.
Other names: c.2318_2319del, p.Gln773fs (NM_005650.4, NM_181492.3); short protein forms Q773fs.
Identifiers: ClinVar variation 1699206 (VCV001699206.3), dbSNP rs2147212231, ClinGen allele CA2573130270.